The following is an entry in ClinVar:

NM_001384474.1(LOXHD1):c.2926GAG[2] (p.Glu978del)

Gene: LOXHD1 (lipoxygenase homology PLAT domains 1; minus strand). Cytogenetic location: 18q21.1.
Variant type: Microsatellite.
Coding change: c.2926GAG[2] on transcript NM_001384474.1 (MANE Select); two copies in a row of the 3-base unit GAG starting at c.2926; the reference has three copies in a row; one copy, 3 bases deleted.
Protein change: p.Glu978del; deletes glutamic acid 978.
Molecular consequence: inframe deletion.
Genome position (GRCh38, 1-based): chr18:46,560,210-46,560,212, CTC deleted on the plus strand (GAG on the coding strand, the reverse complement: LOXHD1 is on the minus strand); deleting any 3 consecutive bases within chr18:46,560,210-46,560,218 gives the same sequence; the position shown is the placement nearest the transcript's 3' end. VCF-style (leftmost placement, unchanged base first): chr18-46560209-ACTC-A. GRCh37 (hg19) VCF-style: chr18-44140172-ACTC-A.
Other names: c.2926GAG[2], p.Glu978del (NM_144612.7); short protein forms E978del.
Identifiers: ClinVar variation 4984458 (VCV004984458.1).

ClinVar aggregate classification (germline): Uncertain significance (1 of 4 stars; one submission).

Conditions:
LOXHD1-related disorder. Also called: LOXHD1-related condition.

Submission:

PreventionGenetics, part of Exact Sciences
Classification: Uncertain significance for LOXHD1-related condition. Last evaluated: 2026-01-29. Review status: criteria provided, single submitter. Criteria: ACMG Guidelines, 2015. Collection method: clinical testing. Allele origin: germline.
Comment: The LOXHD1 c.2932_2934delGAG variant is predicted to result in an in-frame deletion (p.Glu978del). To our knowledge, this variant has not been reported in the literature or in a large population database (gnomAD), indicating this variant is rare. At this time, the clinical significance of this variant is uncertain due to the absence of conclusive functional and genetic evidence.